The following is an entry in ClinVar:

NM_054106.1(OR5AC2):c.730G>A (p.Gly244Ser)

Gene: OR5AC2 (olfactory receptor family 5 subfamily AC member 2; plus strand). Cytogenetic location: 3q11.2.
Variant type: single nucleotide variant.
Coding change: c.730G>A on transcript NM_054106.1 (MANE Select); coding-DNA position 730, G replaced by A.
Protein change: p.Gly244Ser; replaces glycine 244 with serine.
Molecular consequence: missense variant.
Genome position (GRCh38, 1-based): chr3:98,087,902, G>A. VCF-style: chr3-98087902-G-A. GRCh37 (hg19) VCF-style: chr3-97806746-G-A.
Other names: short protein forms G244S.
Identifiers: ClinVar variation 161794 (VCV000161794.2), dbSNP rs193920759, ClinGen allele CA174796.

ClinVar aggregate classification (germline): Uncertain significance (0 of 4 stars; one submission).

Conditions:
Prostate cancer. Also called: Malignant tumor of prostate. Identifiers: Orphanet 1331, MedGen C0376358, MONDO:0008315, HP:0012125.

Allele frequency attached by ClinVar (database versions not stated): TOPMed 0.00002; gnomAD 0.00001; gnomAD exomes 0.00001.

Submission:

Science for Life laboratory,  Karolinska Institutet
Classification: Uncertain significance for Malignant tumor of prostate. Review status: no assertion criteria provided. Collection method: not provided. Allele origin: somatic.
Comment: TumorID:SWE-1
ClinVar note: Converted during submission from Unknown to Uncertain significance.